The following is an entry in ClinVar:

ClinVar aggregate classification (germline): Uncertain significance. Review status: criteria provided, multiple submitters, no conflicts (2 of 4 stars). 2 submissions from 2 submitters: Uncertain significance (2). Last evaluated 2024-09-03.

Conditions:
Familial cancer of breast. Also called: BREAST CANCER, FAMILIAL; Hereditary breast cancer; hereditary breast carcinoma. Identifiers: Orphanet 227535, MedGen C0346153, MONDO:0016419, OMIM 114480. Disease mechanism: loss of function.
Fanconi anemia complementation group J. Also called: BRIP1-Related Fanconi Anemia. Identifiers: Orphanet 84, MedGen C1836860, MONDO:0012187, OMIM 609054.

gnomAD v4.1: 1 of 1,613,370 alleles (0.000062%); highest among the groups gnomAD compares: Non-Finnish European, 0.000085%; no homozygotes.

Submissions (2):

Quest Diagnostics Nichols Institute San Juan Capistrano
Classification: Uncertain significance. Last evaluated: 2024-09-03. Review status: criteria provided, single submitter. Criteria: Quest Diagnostics criteria. Collection method: clinical testing. Allele origin: unknown.
Comment: The BRIP1 c.1247G>T (p.Arg416Leu) variant has not been reported in individuals with BRIP1-related conditions in the published literature. It also has not been reported in large, multi-ethnic general populations (Genome Aggregation Database). Analysis of this variant using bioinformatics tools for the prediction of the effect of amino acid changes on protein structure and function yielded predictions that this variant is benign. Based on the available information, we are unable to determine the clinical significance of this variant.

Labcorp Genetics (formerly Invitae), Labcorp
Classification: Uncertain significance for Familial cancer of breast; Fanconi anemia complementation group J. Last evaluated: 2022-06-08. Review status: criteria provided, single submitter. Criteria: Invitae Variant Classification Sherloc (09022015). Collection method: clinical testing. Allele origin: germline.
Comment: This sequence change replaces arginine, which is basic and polar, with leucine, which is neutral and non-polar, at codon 416 of the BRIP1 protein (p.Arg416Leu). This variant is not present in population databases (gnomAD no frequency). This variant has not been reported in the literature in individuals affected with BRIP1-related conditions. Algorithms developed to predict the effect of missense changes on protein structure and function (SIFT, PolyPhen-2, Align-GVGD) all suggest that this variant is likely to be tolerated. In summary, the available evidence is currently insufficient to determine the role of this variant in disease. Therefore, it has been classified as a Variant of Uncertain Significance.

NM_032043.3(BRIP1):c.1247G>T (p.Arg416Leu)

Gene: BRIP1 (BRCA1 interacting DNA helicase 1; minus strand). Cytogenetic location: 17q23.2.
Variant type: single nucleotide variant.
Coding change: c.1247G>T on transcript NM_032043.3 (MANE Select); coding-DNA position 1247, G replaced by T.
Protein change: p.Arg416Leu; replaces arginine 416 with leucine.
Molecular consequence: missense variant.
Genome position (GRCh38, 1-based): chr17:61,799,193, C>A on the plus strand (G>T on the coding strand, the complement: BRIP1 is on the minus strand). VCF-style: chr17-61799193-C-A. GRCh37 (hg19) VCF-style: chr17-59876554-C-A.
Other names: short protein forms R416L.
Identifiers: ClinVar variation 2003172 (VCV002003172.5), dbSNP rs772570870, ClinGen allele CA400483609.